The following is an entry in ClinVar:

ClinVar aggregate classification (germline): Uncertain significance (1 of 4 stars; one submission).

Conditions:
Epidermolysis bullosa simplex 5B, with muscular dystrophy (EBS5B). Also called: Epidermolysis bullosa simplex with muscular dystrophy; EPIDERMOLYSIS BULLOSA SIMPLEX AND LIMB-GIRDLE MUSCULAR DYSTROPHY. Identifiers: Orphanet 257, MedGen C2931072, MONDO:0009181, OMIM 226670.
Epidermolysis bullosa simplex, Ogna type (EBS5A). Also called: Pidermolysis bullosa simplex 5A, Ogna type; EPIDERMOLYSIS BULLOSA SIMPLEX 5A, OGNA TYPE. Identifiers: Orphanet 79401, MedGen C0432317, MONDO:0007555, OMIM 131950.
Epidermolysis bullosa simplex 5C, with pyloric atresia (EBS5C). Also called: Epidermolysis bullosa simplex with pyloric atresia; PLEC-Related Epidermolysis Bullosa with Pyloric Atresia; PLEC1-Related Epidermolysis Bullosa with Pyloric Atresia. Identifiers: Orphanet 158684, MedGen C2677349, MONDO:0012807, OMIM 612138.
Autosomal recessive limb-girdle muscular dystrophy type 2Q (LGMDR17). Also called: MUSCULAR DYSTROPHY, LIMB-GIRDLE, AUTOSOMAL RECESSIVE 17. Identifiers: Orphanet 254361, MedGen C3150989, MONDO:0013390, OMIM 613723.
Epidermolysis bullosa simplex with nail dystrophy (EBS5D). Identifiers: MedGen C4225309, MONDO:0014661, OMIM 616487.

Allele frequency attached by ClinVar (database versions not stated): gnomAD exomes below 0.00001.
gnomAD v4.1: 1 of 1,613,060 alleles (0.000062%); highest among the groups gnomAD compares: African/African-American, 0.0013%; no homozygotes.

Submission:

Labcorp Genetics (formerly Invitae), Labcorp
Classification: Uncertain significance for Autosomal recessive limb-girdle muscular dystrophy type 2Q; Epidermolysis bullosa simplex, Ogna type; Epidermolysis bullosa simplex with nail dystrophy; Epidermolysis bullosa simplex 5C, with pyloric atresia; Epidermolysis bullosa simplex 5B, with muscular dystrophy. Last evaluated: 2022-04-25. Review status: criteria provided, single submitter. Criteria: Invitae Variant Classification Sherloc (09022015). Collection method: clinical testing. Allele origin: germline.
Comment: In summary, the available evidence is currently insufficient to determine the role of this variant in disease. Therefore, it has been classified as a Variant of Uncertain Significance. This sequence change replaces proline, which is neutral and non-polar, with leucine, which is neutral and non-polar, at codon 1330 of the PLEC protein (p.Pro1330Leu). This variant is not present in population databases (gnomAD no frequency). This variant has not been reported in the literature in individuals affected with PLEC-related conditions. Algorithms developed to predict the effect of missense changes on protein structure and function are either unavailable or do not agree on the potential impact of this missense change (SIFT: "Deleterious"; PolyPhen-2: "Not Available"; Align-GVGD: "Class C35").

NM_201384.3(PLEC):c.3908C>T (p.Pro1303Leu)

Gene: PLEC (plectin; minus strand). Cytogenetic location: 8q24.3.
Variant type: single nucleotide variant.
Coding change: c.3908C>T on transcript NM_201384.3 (MANE Select); coding-DNA position 3908, C replaced by T.
Protein change: p.Pro1303Leu; replaces proline 1303 with leucine.
Molecular consequence: missense variant.
Genome position (GRCh38, 1-based): chr8:143,927,014, G>A on the plus strand (C>T on the coding strand, the complement: PLEC is on the minus strand). VCF-style: chr8-143927014-G-A. GRCh37 (hg19) VCF-style: chr8-145001182-G-A.
Other names: c.3989C>T, p.Pro1330Leu (NM_000445.5, NM_001410941.1); c.3989C>T (NM_000445.4); c.3866C>T, p.Pro1289Leu (NM_201378.4); c.3842C>T, p.Pro1281Leu (NM_201379.3); c.4319C>T, p.Pro1440Leu (NM_201380.4); c.3812C>T, p.Pro1271Leu (NM_201381.3); c.3908C>T, p.Pro1303Leu (NM_201382.4); c.3920C>T, p.Pro1307Leu (NM_201383.3); short protein forms P1330L, P1271L, P1281L, P1289L, P1440L, P1303L, P1307L.
Identifiers: ClinVar variation 1971058 (VCV001971058.6), dbSNP rs1564076782, ClinGen allele CA372563758.